The following is an entry in ClinVar:

ClinVar aggregate classification (germline): Benign. Review status: criteria provided, multiple submitters, no conflicts (2 of 4 stars). 6 submissions from 5 submitters: Benign (6). Last evaluated 2026-02-04.

Conditions:
Weill-Marchesani syndrome. Also called: WM Syndrome; Mesodermal dysmorphodystrophy congenital. Identifiers: Orphanet 3449, MedGen C0265313, MONDO:0018096.
Glaucoma 3, primary congenital, D. Identifiers: Orphanet 98976, MedGen C2751316, MONDO:0013122, OMIM 613086.

Allele frequency attached by ClinVar (database versions not stated): gnomAD exomes 0.00201 and 0.00512; ExAC 0.00633; 1000 Genomes Project 0.01997; gnomAD 0.02015 and 0.02179; 1000 Genomes Project 30x 0.02171; TOPMed 0.02253; ESP Exome Variant Server 0.02268.
gnomAD v4.1: 6,146 of 1,613,964 alleles (0.38%); highest among the groups gnomAD compares: African/African-American, 7.4%; 228 homozygotes.

Submissions (6):

Labcorp Genetics (formerly Invitae), Labcorp
Classification: Benign. Last evaluated: 2026-02-04. Review status: criteria provided, single submitter. Criteria: Invitae Variant Classification Sherloc (09022015). Collection method: clinical testing. Allele origin: germline.

GeneDx
Classification: Benign. Last evaluated: 2018-11-08. Review status: criteria provided, single submitter. Criteria: GeneDx Variant Classification Process June 2021. Collection method: clinical testing. Allele origin: germline. Affected: yes.

Illumina Laboratory Services, Illumina
Classification: Benign for Glaucoma 3, primary congenital, D. Last evaluated: 2018-01-12. Review status: criteria provided, single submitter. Criteria: ICSL Variant Classification Criteria 13 December 2019. Collection method: clinical testing. Allele origin: germline.
Comment: This variant was observed in the ICSL laboratory as part of a predisposition screen in an ostensibly healthy population. It had not been previously curated by ICSL or reported in the Human Gene Mutation Database (HGMD: prior to June 1st, 2018), and was therefore a candidate for classification through an automated scoring system. Utilizing variant allele frequency, disease prevalence and penetrance estimates, and inheritance mode, an automated score was calculated to assess if this variant is too frequent to cause the disease. Based on the score and internal cut-off values, a variant classified as benign is not then subjected to further curation. The score for this variant resulted in a classification of benign for this disease.

Illumina Laboratory Services, Illumina
Classification: Benign for Weill-Marchesani syndrome. Last evaluated: 2018-01-12. Review status: criteria provided, single submitter. Criteria: ICSL Variant Classification Criteria 13 December 2019. Collection method: clinical testing. Allele origin: germline.
Comment: the same text as in the submission from Illumina Laboratory Services, Illumina above.

Breakthrough Genomics
Classification: Benign. Review status: criteria provided, single submitter. Criteria: ACMG Guidelines, 2015. Collection method: not provided. Allele origin: germline. Inheritance: Autosomal recessive inheritance. Affected: yes.

PreventionGenetics, part of Exact Sciences
Classification: Benign. Review status: criteria provided, single submitter. Criteria: ACMG Guidelines, 2015. Collection method: clinical testing. Allele origin: germline.

NM_000428.3(LTBP2):c.4782G>A (p.Val1594=)

Gene: LTBP2 (latent transforming growth factor beta binding protein 2; minus strand). Cytogenetic location: 14q24.3.
Variant type: single nucleotide variant.
Coding change: c.4782G>A on transcript NM_000428.3 (MANE Select); coding-DNA position 4782, G replaced by A.
Protein change: p.Val1594=; no amino-acid change (valine 1594 retained).
Molecular consequence: synonymous variant.
Genome position (GRCh38, 1-based): chr14:74,503,325, C>T on the plus strand (G>A on the coding strand, the complement: LTBP2 is on the minus strand). VCF-style: chr14-74503325-C-T. GRCh37 (hg19) VCF-style: chr14-74970028-C-T.
Identifiers: ClinVar variation 256099 (VCV000256099.17), dbSNP rs2079631, ClinGen allele CA7268635.